The following is an entry in ClinVar:

NM_152564.5(VPS13B):c.4676G>T (p.Gly1559Val)

Gene: VPS13B (vacuolar protein sorting 13 homolog B; plus strand). Cytogenetic location: 8q22.2.
Variant type: single nucleotide variant.
Coding change: c.4676G>T on transcript NM_152564.5 (MANE Select); coding-DNA position 4676, G replaced by T.
Protein change: p.Gly1559Val; replaces glycine 1559 with valine.
Molecular consequence: missense variant.
Genome position (GRCh38, 1-based): chr8:99,520,941, G>T. VCF-style: chr8-99520941-G-T. GRCh37 (hg19) VCF-style: chr8-100533169-G-T.
Other names: c.4751G>T, p.Gly1584Val (NM_017890.5); c.4751G>T (NM_017890.3); short protein forms G1559V, G1584V.
Identifiers: ClinVar variation 836994 (VCV000836994.13), dbSNP rs578203757, ClinGen allele CA4823584.

ClinVar aggregate classification (germline): Uncertain significance. Review status: criteria provided, multiple submitters, no conflicts (2 of 4 stars). 6 submissions from 6 submitters: Uncertain significance (5). 1 of the submissions does not count toward it. Last evaluated 2026-06-27.

Conditions:
Inborn genetic diseases. Identifiers: MedGen C0950123, MeSH D030342.
VPS13B-related disorder. Also called: VPS13B-related condition.
Cohen syndrome (COH1). Also called: PEPPER SYNDROME; Cutis verticis gyrata, retinitis pigmentosa, and sensorineural deafness. Identifiers: Orphanet 193, MedGen C0265223, MONDO:0008999, OMIM 216550.

Allele frequency attached by ClinVar (database versions not stated): gnomAD exomes below 0.00001 and 0.00001; ExAC 0.00001; gnomAD 0.00003; TOPMed 0.00005; 1000 Genomes Project 30x 0.00016; 1000 Genomes Project 0.00020.
gnomAD v4.1: 9 of 1,613,748 alleles (0.00056%); highest among the groups gnomAD compares: Admixed American, 0.012%; no homozygotes.

Submissions (6):

PreventionGenetics, part of Exact Sciences
Classification: Uncertain significance for VPS13B-related condition. Last evaluated: 2026-06-27. Review status: criteria provided, single submitter. Criteria: ACMG Guidelines, 2015. Collection method: clinical testing. Allele origin: germline.
Comment: The VPS13B c.4676G>T variant is predicted to result in the amino acid substitution p.Gly1559Val. To our knowledge, this variant has not been reported in the literature. This variant is reported in 0.0029% of alleles in individuals of Latino descent in gnomAD. At this time, the clinical significance of this variant is uncertain due to the absence of conclusive functional and genetic evidence.

GeneDx
Classification: Uncertain significance. Last evaluated: 2024-12-20. Review status: criteria provided, single submitter. Criteria: GeneDx Variant Classification Process June 2021. Collection method: clinical testing. Allele origin: germline. Affected: yes.
Comment: Not observed at significant frequency in large population cohorts (gnomAD); In silico analysis supports that this missense variant has a deleterious effect on protein structure/function; Has not been previously published as pathogenic or benign to our knowledge

Ambry Genetics
Classification: Uncertain significance for Inborn genetic diseases. Last evaluated: 2023-11-28. Review status: criteria provided, single submitter. Criteria: Ambry Variant Classification Scheme 2023. Collection method: clinical testing. Allele origin: germline.

Labcorp Genetics (formerly Invitae), Labcorp
Classification: Uncertain significance for Cohen syndrome. Last evaluated: 2022-11-01. Review status: criteria provided, single submitter. Criteria: Invitae Variant Classification Sherloc (09022015). Collection method: clinical testing. Allele origin: germline.
Comment: This sequence change replaces glycine, which is neutral and non-polar, with valine, which is neutral and non-polar, at codon 1584 of the VPS13B protein (p.Gly1584Val). This variant is present in population databases (rs578203757, gnomAD 0.003%). This variant has not been reported in the literature in individuals affected with VPS13B-related conditions. ClinVar contains an entry for this variant (Variation ID: 836994). Advanced modeling of protein sequence and biophysical properties (such as structural, functional, and spatial information, amino acid conservation, physicochemical variation, residue mobility, and thermodynamic stability) performed at Invitae indicates that this missense variant is expected to disrupt VPS13B protein function. In summary, the available evidence is currently insufficient to determine the role of this variant in disease. Therefore, it has been classified as a Variant of Uncertain Significance.

New York Genome Center
Classification: Uncertain significance for Cohen syndrome. Last evaluated: 2021-10-29. Review status: criteria provided, single submitter. Criteria: NYGC Assertion Criteria 2020. Collection method: clinical testing. Allele origin: germline. Observed: 1 variant allele.

Natera, Inc.
Classification: Uncertain significance for Cohen syndrome. Last evaluated: 2020-09-16. Review status: no assertion criteria provided. Collection method: clinical testing. Allele origin: germline. Not counted in ClinVar's aggregate classification.